The following is an entry in ClinVar:

ClinVar aggregate classification (germline): Uncertain significance. Review status: criteria provided, multiple submitters, no conflicts (2 of 4 stars). 2 submissions from 2 submitters: Uncertain significance (2). Last evaluated 2022-08-22.

Allele frequency attached by ClinVar (database versions not stated): gnomAD 0.00001; TOPMed 0.00002.
gnomAD v4.1: 33 of 1,613,964 alleles (0.002%); highest among the groups gnomAD compares: Non-Finnish European, 0.0027%; no homozygotes.

Submissions (2):

Labcorp Genetics (formerly Invitae), Labcorp
Classification: Uncertain significance. Last evaluated: 2022-08-22. Review status: criteria provided, single submitter. Criteria: Invitae Variant Classification Sherloc (09022015). Collection method: clinical testing. Allele origin: germline.
Comment: In summary, the available evidence is currently insufficient to determine the role of this variant in disease. Therefore, it has been classified as a Variant of Uncertain Significance. Advanced modeling of protein sequence and biophysical properties (such as structural, functional, and spatial information, amino acid conservation, physicochemical variation, residue mobility, and thermodynamic stability) performed at Invitae indicates that this missense variant is not expected to disrupt CPLANE1 protein function. This variant has not been reported in the literature in individuals affected with CPLANE1-related conditions. This variant is present in population databases (rs764690794, gnomAD 0.003%). This sequence change replaces isoleucine, which is neutral and non-polar, with serine, which is neutral and polar, at codon 2707 of the CPLANE1 protein (p.Ile2707Ser).

Blueprint Genetics
Classification: Uncertain significance. Last evaluated: 2021-03-08. Review status: criteria provided, single submitter. Criteria: ACMG Guidelines, 2015. Collection method: clinical testing. Allele origin: germline.

NM_001384732.1(CPLANE1):c.8282T>G (p.Ile2761Ser)

Gene: CPLANE1 (ciliogenesis and planar polarity effector complex subunit 1; minus strand). Cytogenetic location: 5p13.2.
Variant type: single nucleotide variant.
Coding change: c.8282T>G on transcript NM_001384732.1 (MANE Select); coding-DNA position 8282, T replaced by G.
Protein change: p.Ile2761Ser; replaces isoleucine 2761 with serine.
Molecular consequence: missense variant.
Genome position (GRCh38, 1-based): chr5:37,153,831, A>C on the plus strand (T>G on the coding strand, the complement: CPLANE1 is on the minus strand). VCF-style: chr5-37153831-A-C. GRCh37 (hg19) VCF-style: chr5-37153933-A-C.
Other names: c.8120T>G, p.Ile2707Ser (NM_023073.4); short protein forms I2707S, I2761S.
Identifiers: ClinVar variation 2079337 (VCV002079337.5), dbSNP rs764690794, ClinGen allele CA3237835.